The following is an entry in ClinVar:

NM_133433.4(NIPBL):c.5808+304G>A

Gene: NIPBL (NIPBL cohesin loading factor; plus strand). Cytogenetic location: 5p13.2.
Variant type: single nucleotide variant.
Coding change: c.5808+304G>A on transcript NM_133433.4 (MANE Select); 304 bases into the intron after coding-DNA position 5808, G replaced by A.
Molecular consequence: intron variant.
Genome position (GRCh38, 1-based): chr5:37,026,631, G>A. VCF-style: chr5-37026631-G-A. GRCh37 (hg19) VCF-style: chr5-37026733-G-A.
Other names: c.5808+304G>A (NM_001438586.1, NM_015384.5).
Identifiers: ClinVar variation 4854871 (VCV004854871.1).
Genomic context (GRCh38, chr5:37,026,631, plus strand): 5'-CTCCAGCAATTAAAAACAGGGAGGGAAAGGAGAAATGGAAGAACAGATACAATCGCCCAA[G>A]GGTAATAATCTGCAAAGATAGTAATGCCTACTTTTTTCAGAAATTATGAATATGGATTAG-3'

ClinVar aggregate classification (germline): Uncertain significance (1 of 4 stars; one submission).

Conditions:
Cornelia de Lange syndrome 1 (CDLS1). Also called: NIPBL-Related Cornelia de Lange Syndrome; Brachmann de Lange syndrome; TYPUS DEGENERATIVUS AMSTELODAMENSIS. Identifiers: Orphanet 199, MedGen C4551851, MONDO:0007387, OMIM 122470.

Submission:

3billion
Classification: Uncertain significance for Cornelia de Lange syndrome 1. Last evaluated: 2025-12-24. Review status: criteria provided, single submitter. Criteria: ACMG Guidelines, 2015. Collection method: clinical testing. Allele origin: germline. Affected: yes.
Comment: The variant is not observed in the gnomAD v4.1.0 dataset. Predicted Consequence/Location: Intron variant In silico tools predict the variant to alter splicing and produce an abnormal transcript [SpliceAI: 0.62 (>=0.2, moderate evidence for spliceogenicity)]. Therefore, this variant is classified as VUS according to the recommendation of ACMG/AMP guideline.